The following is an entry in ClinVar:

NM_206933.4(USH2A):c.14969C>G (p.Thr4990Ser)

Gene: USH2A (usherin; minus strand). Cytogenetic location: 1q41.
Variant type: single nucleotide variant.
Coding change: c.14969C>G on transcript NM_206933.4 (MANE Select); coding-DNA position 14969, C replaced by G.
Protein change: p.Thr4990Ser; replaces threonine 4990 with serine.
Molecular consequence: missense variant.
Genome position (GRCh38, 1-based): chr1:215,639,238, G>C on the plus strand (C>G on the coding strand, the complement: USH2A is on the minus strand). VCF-style: chr1-215639238-G-C. GRCh37 (hg19) VCF-style: chr1-215812580-G-C.
Other names: c.14969C>G (NM_206933.2); short protein forms T4990S.
Identifiers: ClinVar variation 2913850 (VCV002913850.4), dbSNP rs748417644, ClinGen allele CA1392842.
Genomic context (GRCh38, chr1:215,639,238, plus strand): 5'-TGGATCAACGGCGTCTTAACACTTCCTTCGTCAGTCGTGCAGATGACCTGGAAAAAGAAG[G>C]CTAGACAAAAGGAAGAACTGGTAAATGACTTGTTCATTCAACACCTACAAATAGGGCACA-3'
Protein context (NP_996816.3, residues 4980-5000): TLYIPRTADK[Thr4990Ser]FFFQVICTTD

ClinVar aggregate classification (germline): Uncertain significance. Review status: criteria provided, multiple submitters, no conflicts (2 of 4 stars). 2 submissions from 2 submitters: Uncertain significance (2). Last evaluated 2024-10-25.

Conditions:
USH2A-related disorder. Also called: USH2A-related condition; USH2A-related disorders. Identifiers: MedGen CN239332.

Allele frequency attached by ClinVar (database versions not stated): gnomAD 0.00001.
gnomAD v4.1: 9 of 1,613,956 alleles (0.00056%); highest among the groups gnomAD compares: East Asian, 0.0045%; no homozygotes.

Submissions (2):

PreventionGenetics, part of Exact Sciences
Classification: Uncertain significance for USH2A-related condition. Last evaluated: 2024-10-25. Review status: criteria provided, single submitter. Criteria: ACMG Guidelines, 2015. Collection method: clinical testing. Allele origin: germline.
Comment: The USH2A c.14969C>G variant is predicted to result in the amino acid substitution p.Thr4990Ser. This variant was reported in an individual with retinal/optic nerve disease (Table S12, Diñeiro et al. 2020. PubMed ID: 32483926). This variant is reported in 0.011% of alleles in individuals of East Asian descent in gnomAD. At this time, the clinical significance of this variant is uncertain due to the absence of conclusive functional and genetic evidence.

Labcorp Genetics (formerly Invitae), Labcorp
Classification: Uncertain significance. Last evaluated: 2023-05-31. Review status: criteria provided, single submitter. Criteria: Invitae Variant Classification Sherloc (09022015). Collection method: clinical testing. Allele origin: germline.
Comment: In summary, the available evidence is currently insufficient to determine the role of this variant in disease. Therefore, it has been classified as a Variant of Uncertain Significance. Algorithms developed to predict the effect of sequence changes on RNA splicing suggest that this variant may disrupt the consensus splice site. Algorithms developed to predict the effect of missense changes on protein structure and function output the following: SIFT: "Not Available"; PolyPhen-2: "Benign"; Align-GVGD: "Not Available". The serine amino acid residue is found in multiple mammalian species, which suggests that this missense change does not adversely affect protein function. This missense change has been observed in individual(s) with an inherited retinal disorder (PMID: 32483926). This variant is present in population databases (rs748417644, gnomAD 0.01%). This sequence change replaces threonine, which is neutral and polar, with serine, which is neutral and polar, at codon 4990 of the USH2A protein (p.Thr4990Ser).

Literature cited by the submitters: PubMed 32483926 (cited by Labcorp Genetics (formerly Invitae), Labcorp).